The following is an entry in ClinVar:

NM_000180.4(GUCY2D):c.2618C>G (p.Pro873Arg)

Gene: GUCY2D (guanylate cyclase 2D, retinal; plus strand). Cytogenetic location: 17p13.1.
Variant type: single nucleotide variant.
Coding change: c.2618C>G on transcript NM_000180.4 (MANE Select); coding-DNA position 2618, C replaced by G.
Protein change: p.Pro873Arg; replaces proline 873 with arginine.
Molecular consequence: missense variant.
Genome position (GRCh38, 1-based): chr17:8,014,900, C>G. VCF-style: chr17-8014900-C-G. GRCh37 (hg19) VCF-style: chr17-7918218-C-G.
Other names: short protein forms P873R.
Identifiers: ClinVar variation 575081 (VCV000575081.14), dbSNP rs1567961680, ClinGen allele CA397953944.
Genomic context (GRCh38, chr17:8,014,900, plus strand): 5'-CACTGCCTGCCATCCCTAGGTCTGTGGCTGAGGCCTTGAAGACGGGGACACCAGTGGAGC[C>G]CGAGTACTTTGAGCAAGTGACACTGTACTTTAGTGACATTGTGGGCTTCACCACCATCTC-3'
Protein context (NP_000171.1, residues 863-883): EALKTGTPVE[Pro873Arg]EYFEQVTLYF

ClinVar aggregate classification (germline): Pathogenic. Review status: criteria provided, multiple submitters, no conflicts (2 of 4 stars). 4 submissions from 4 submitters: Pathogenic (3). 1 of the submissions does not count toward it. Last evaluated 2026-01-27.

Conditions:
Cone-rod dystrophy 6 (CORD6). Also called: RETINAL CONE DYSTROPHY 2; Cone dystrophy progressive. Identifiers: Orphanet 1872, MedGen C1866293, MONDO:0011143, OMIM 601777.
Leber congenital amaurosis 1 (LCA1). Also called: Congenital absence of the rods and cones; Leber's congenital tapetoretinal degeneration; Leber's congenital tapetoretinal dysplasia; RETINAL BLINDNESS, CONGENITAL; AMAUROSIS CONGENITA OF LEBER I. Identifiers: Orphanet 65, MedGen C2931258, MONDO:0008764, OMIM 204000.
GUCY2D-related disorders.
Night blindness, congenital stationary, type1i. Also called: NIGHT BLINDNESS, CONGENITAL STATIONARY, TYPE 1I. Identifiers: MedGen C5231408, MONDO:0032811, OMIM 618555.
Cone-rod dystrophy. Also called: Cone-rod degeneration; Cone/cone-rod dystrophy. Identifiers: Orphanet 1872, MedGen C4085590, MONDO:0015993, HP:0000548.

Submissions (4):

Labcorp Genetics (formerly Invitae), Labcorp
Classification: Pathogenic for Leber congenital amaurosis 1; Cone-rod dystrophy 6. Last evaluated: 2026-01-27. Review status: criteria provided, single submitter. Criteria: Invitae Variant Classification Sherloc (09022015). Collection method: clinical testing. Allele origin: germline.
Comment: This sequence change replaces proline, which is neutral and non-polar, with arginine, which is basic and polar, at codon 873 of the GUCY2D protein (p.Pro873Arg). This variant is not present in population databases (gnomAD no frequency). This missense change has been observed in individual(s) with autosomal dominant cone rod dystrophy (PMID: 30319355). It has also been observed to segregate with disease in related individuals. ClinVar contains an entry for this variant (Variation ID: 575081). Invitae Evidence Modeling of protein sequence and biophysical properties (such as structural, functional, and spatial information, amino acid conservation, physicochemical variation, residue mobility, and thermodynamic stability) indicates that this missense variant is expected to disrupt GUCY2D protein function with a positive predictive value of 80%. Experimental studies have shown that this missense change affects GUCY2D function (PMID: 30319355). For these reasons, this variant has been classified as Pathogenic.

3billion
Classification: Pathogenic for Night blindness, congenital stationary, type1i. Last evaluated: 2022-05-22. Review status: criteria provided, single submitter. Criteria: ACMG Guidelines, 2015. Collection method: clinical testing. Allele origin: germline. Affected: yes. Observed: 1 heterozygote.
Comment: The variant is not observed in the gnomAD v2.1.1 dataset. Functional studies provide strong evidence of the variant having a damaging effect on the gene or gene product (PMID:30319355). In silico tool predictions suggest damaging effect of the variant on gene or gene product (REVEL: 0.74; 3Cnet: 0.21). Same nucleotide change resulting in same amino acid change has been previously reported to be associated with GUCY2D related disorder (ClinVar ID: VCV000575081 / PMID: 30319355). The variant has been reported to co-segregate with the disease in at least 3 similarly affected relatives/individuals in the same family or similarly affected unrelated family (PMID:30319355). Therefore, this variant is classified as pathogenic according to the recommendation of ACMG/AMP guideline.

Blueprint Genetics
Classification: Pathogenic for GUCY2D-related disorders. Last evaluated: 2019-08-09. Review status: criteria provided, single submitter. Criteria: ACMG Guidelines, 2015. Collection method: clinical testing. Allele origin: germline. Affected: yes. Observed: 1 variant allele.

Sharon lab, Hadassah-Hebrew University Medical Center
Classification: Likely pathogenic for Cone-rod degeneration. Last evaluated: 2019-06-23. Review status: no assertion criteria provided. Collection method: research. Allele origin: inherited. Affected: yes. Not counted in ClinVar's aggregate classification.

Literature cited by the submitters: PubMed 30319355 (cited by Labcorp Genetics (formerly Invitae), Labcorp and 3billion).